The following is an entry in ClinVar:

NM_018706.7(DHTKD1):c.2106T>G (p.Asp702Glu)

Gene: DHTKD1 (dehydrogenase E1 and transketolase domain containing 1; plus strand). Cytogenetic location: 10p14.
Variant type: single nucleotide variant.
Coding change: c.2106T>G on transcript NM_018706.7 (MANE Select); coding-DNA position 2106, T replaced by G.
Protein change: p.Asp702Glu; replaces aspartic acid 702 with glutamic acid.
Molecular consequence: missense variant.
Genome position (GRCh38, 1-based): chr10:12,107,967, T>G. VCF-style: chr10-12107967-T-G. GRCh37 (hg19) VCF-style: chr10-12149966-T-G.
Other names: short protein forms D702E.
Identifiers: ClinVar variation 1520692 (VCV001520692.6), dbSNP rs759597069, ClinGen allele CA5408135.
Genomic context (GRCh38, chr10:12,107,967, plus strand): 5'-AGGAGAGGCCAAGTGGCTCCTACAAAGCGGCATCGTCATCCTCCTTCCACATGGCTACGA[T>G]GGGGCTGGGCCAGACCACTCATCCTGTCGAATAGAGCGTTTCCTGCAGGTAAGGGTAACG-3'
Protein context (NP_061176.4, residues 692-712): GIVILLPHGY[Asp702Glu]GAGPDHSSCR

ClinVar aggregate classification (germline): Uncertain significance (1 of 4 stars; one submission).

Conditions:
2-aminoadipic 2-oxoadipic aciduria (AAKAD). Also called: Aminoadipic aciduria; ALPHA-AMINOADIPIC AND ALPHA-KETOADIPIC ACIDURIA. Identifiers: Orphanet 79154, MedGen C1859817, MONDO:0008774, OMIM 204750.

gnomAD v4.1: 14 of 1,613,914 alleles (0.00087%); highest among the groups gnomAD compares: Admixed American, 0.0017%; no homozygotes.

Submission:

Labcorp Genetics (formerly Invitae), Labcorp
Classification: Uncertain significance for 2-aminoadipic 2-oxoadipic aciduria. Last evaluated: 2021-09-21. Review status: criteria provided, single submitter. Criteria: Invitae Variant Classification Sherloc (09022015). Collection method: clinical testing. Allele origin: germline.
Comment: In summary, the available evidence is currently insufficient to determine the role of this variant in disease. Therefore, it has been classified as a Variant of Uncertain Significance. Algorithms developed to predict the effect of missense changes on protein structure and function are either unavailable or do not agree on the potential impact of this missense change (SIFT: "Tolerated"; PolyPhen-2: "Possibly Damaging"; Align-GVGD: "Class C0"). This variant has not been reported in the literature in individuals affected with DHTKD1-related conditions. This variant is present in population databases (rs759597069, ExAC 0.007%). This sequence change replaces aspartic acid with glutamic acid at codon 702 of the DHTKD1 protein (p.Asp702Glu). The aspartic acid residue is highly conserved and there is a small physicochemical difference between aspartic acid and glutamic acid.